The following is an entry in ClinVar:

ClinVar aggregate classification (germline): Conflicting classifications of pathogenicity. Review status: criteria provided, conflicting classifications (1 of 4 stars). 3 submissions from 3 submitters: Pathogenic (1); Likely pathogenic (1); Uncertain significance (1). Last evaluated 2025-06-10.

Conditions:
ABHD12-related disorder. Also called: ABHD12-related condition.

Submissions (3):

GeneDx
Classification: Uncertain significance. Last evaluated: 2025-06-10. Review status: criteria provided, single submitter. Criteria: GeneDx Variant Classification Process June 2021. Collection method: clinical testing. Allele origin: germline. Affected: yes.
Comment: Frameshift variant predicted to result in protein truncation or nonsense mediated decay in a gene for which loss of function is a known mechanism of disease; This variant is associated with the following publications: (PMID: 31964843)

Labcorp Genetics (formerly Invitae), Labcorp
Classification: Pathogenic. Last evaluated: 2024-06-12. Review status: criteria provided, single submitter. Criteria: Invitae Variant Classification Sherloc (09022015). Collection method: clinical testing. Allele origin: germline.
Comment: This sequence change creates a premature translational stop signal (p.Gln118Thrfs*10) in the ABHD12 gene. It is expected to result in an absent or disrupted protein product. Loss-of-function variants in ABHD12 are known to be pathogenic (PMID: 20797687). This variant is present in population databases (rs756648434, gnomAD 0.01%). This variant has not been reported in the literature in individuals affected with ABHD12-related conditions. For these reasons, this variant has been classified as Pathogenic.

Blueprint Genetics
Classification: Likely pathogenic for ABHD12-related disorders. Last evaluated: 2021-12-01. Review status: criteria provided, single submitter. Criteria: ACMG Guidelines, 2015. Collection method: clinical testing. Allele origin: germline. Affected: yes. Observed: 2 variant alleles.

Literature cited by the submitters: PubMed 20797687 (cited by Labcorp Genetics (formerly Invitae), Labcorp).

NM_001042472.3(ABHD12):c.350dup (p.Gln118fs)

Gene: ABHD12 (abhydrolase domain containing 12, lysophospholipase; minus strand). Cytogenetic location: 20p11.21.
Variant type: Duplication.
Coding change: c.350dup on transcript NM_001042472.3 (MANE Select); coding-DNA position 350, one base duplicated (C; older notation c.350dupC).
Protein change: p.Gln118fs; shifts the reading frame from glutamine 118.
Molecular consequence: frameshift variant.
Genome position (GRCh38, 1-based): chr20:25,323,397, G duplicated on the plus strand (C on the coding strand, the reverse complement: ABHD12 is on the minus strand); the first of 2 consecutive G bases (chr20:25,323,397-25,323,398); duplicating either gives the same sequence. VCF-style (leftmost placement, unchanged base first): chr20-25323396-T-TG. GRCh37 (hg19) VCF-style: chr20-25304032-T-TG.
Other names: c.350dup (NM_001042472.2); c.350dup, p.Gln118fs (NM_015600.5); short protein forms Q118fs.
Identifiers: ClinVar variation 2876127 (VCV002876127.5), dbSNP rs756648434, ClinGen allele CA9796171.